The following is an entry in ClinVar:

NM_001018113.3(FANCB):c.906C>T (p.Ser302=)

Gene: FANCB (FA complementation group B; minus strand). Cytogenetic location: Xp22.2.
Variant type: single nucleotide variant.
Coding change: c.906C>T on transcript NM_001018113.3 (MANE Select); coding-DNA position 906, C replaced by T.
Protein change: p.Ser302=; no amino-acid change (serine 302 retained).
Molecular consequence: synonymous variant.
Genome position (GRCh38, 1-based): chrX:14,864,605, G>A on the plus strand (C>T on the coding strand, the complement: FANCB is on the minus strand). VCF-style: chrX-14864605-G-A. GRCh37 (hg19) VCF-style: chrX-14882727-G-A.
Other names: c.906C>T, p.Ser302= (NM_001324162.2, NM_001410764.1, NM_152633.4).
Identifiers: ClinVar variation 2021861 (VCV002021861.5), dbSNP rs2519009292, ClinGen allele CA515637483.

ClinVar aggregate classification (germline): Likely benign. Review status: criteria provided, multiple submitters, no conflicts (2 of 4 stars). 2 submissions from 2 submitters: Likely benign (2). Last evaluated 2026-08-01.

Conditions:
Fanconi anemia (FA). Also called: Fanconi's anemia. Identifiers: Orphanet 84, MedGen C0015625, MeSH D005199, MONDO:0019391.

gnomAD v4.1: 1 of 1,205,234 alleles (0.000083%); no homozygotes.

Submissions (2):

CeGaT Center for Human Genetics Tuebingen
Classification: Likely benign. Last evaluated: 2026-08-01. Review status: criteria provided, single submitter. Criteria: CeGaT Center For Human Genetics Tuebingen Variant Classification Criteria Version 2. Collection method: clinical testing. Allele origin: germline. Affected: yes. Observed: 1 variant allele.
Comment: FANCB: BP4, BP7

Labcorp Genetics (formerly Invitae), Labcorp
Classification: Likely benign for Fanconi anemia. Last evaluated: 2022-08-05. Review status: criteria provided, single submitter. Criteria: Invitae Variant Classification Sherloc (09022015). Collection method: clinical testing. Allele origin: germline.